The following is an entry in ClinVar:

ClinVar aggregate classification (germline): Pathogenic (1 of 4 stars; one submission).

Conditions:
X-linked severe combined immunodeficiency (SCIDX1). Also called: X-Linked Combined Immunodeficiency Diseases; IMMUNODEFICIENCY 4; SCID, X-LINKED; SEVERE COMBINED IMMUNODEFICIENCY, X-LINKED, T CELL-NEGATIVE, B CELL-POSITIVE, NK CELL-NEGATIVE; T-B+ severe combined immunodeficiency due to gamma chain deficiency. Identifiers: Orphanet 276, MedGen C6022468, MONDO:0010315, OMIM 300400. Disease mechanism: loss of function.

Submission:

Labcorp Genetics (formerly Invitae), Labcorp
Classification: Pathogenic for X-linked severe combined immunodeficiency. Last evaluated: 2025-01-27. Review status: criteria provided, single submitter. Criteria: Invitae Variant Classification Sherloc (09022015). Collection method: clinical testing. Allele origin: germline.
Comment: This sequence change replaces serine, which is neutral and polar, with arginine, which is basic and polar, at codon 225 of the IL2RG protein (p.Ser225Arg). This variant is not present in population databases (gnomAD no frequency). This missense change has been observed in individual(s) with severe combined immunodeficiency (PMID: 26547715, 32265911; internal data). ClinVar contains an entry for this variant (Variation ID: 1068146). Invitae Evidence Modeling of protein sequence and biophysical properties (such as structural, functional, and spatial information, amino acid conservation, physicochemical variation, residue mobility, and thermodynamic stability) indicates that this missense variant is expected to disrupt IL2RG protein function with a positive predictive value of 95%. For these reasons, this variant has been classified as Pathogenic.

Literature cited by the submitters: PubMed 26547715; PubMed 32265911.

NM_000206.3(IL2RG):c.675C>A (p.Ser225Arg)

Gene: IL2RG (interleukin 2 receptor subunit gamma; minus strand). Cytogenetic location: Xq13.1.
Variant type: single nucleotide variant.
Coding change: c.675C>A on transcript NM_000206.3 (MANE Select); coding-DNA position 675, C replaced by A.
Protein change: p.Ser225Arg; replaces serine 225 with arginine.
Molecular consequence: missense variant.
Genome position (GRCh38, 1-based): chrX:71,109,310, G>T on the plus strand (C>A on the coding strand, the complement: IL2RG is on the minus strand). VCF-style: chrX-71109310-G-T. GRCh37 (hg19) VCF-style: chrX-70329160-G-T.
Other names: short protein forms S225R.
Identifiers: ClinVar variation 1068146 (VCV001068146.10), dbSNP rs1569479913, ClinGen allele CA413495994.